The following is an entry in ClinVar:

NM_001330078.2(NRXN1):c.1063G>A (p.Val355Met)

Gene: NRXN1 (neurexin 1; minus strand). Cytogenetic location: 2p16.3.
Variant type: single nucleotide variant.
Coding change: c.1063G>A on transcript NM_001330078.2 (MANE Select); coding-DNA position 1063, G replaced by A.
Protein change: p.Val355Met; replaces valine 355 with methionine.
Molecular consequence: missense variant.
Genome position (GRCh38, 1-based): chr2:50,623,385, C>T on the plus strand (G>A on the coding strand, the complement: NRXN1 is on the minus strand). VCF-style: chr2-50623385-C-T. GRCh37 (hg19) VCF-style: chr2-50850523-C-T.
Other names: c.1162G>A, p.Val388Met (NM_001135659.3); c.1063G>A, p.Val355Met (NM_001330077.2, NM_001330082.2, NM_001330085.2 and 3 more transcripts); c.1003G>A, p.Val335Met (NM_001330083.2, NM_001330084.2, NM_001330087.2 and 1 more transcripts); c.1033G>A, p.Val345Met (NM_001330088.2); c.1060G>A, p.Val354Met (NM_001330093.2); c.1051G>A, p.Val351Met (NM_001330094.2); short protein forms V335M, V345M, V351M, V354M, V355M, V388M.
Identifiers: ClinVar variation 2429676 (VCV002429676.1), dbSNP rs2466868823, ClinGen allele CA346822219.
Genomic context (GRCh38, chr2:50,623,385, plus strand): 5'-TCCTGGTGACTTTCACATCATGCCAGGCATTATCATTAAACTTTCCATTCACAGGCTCCA[C>T]TAGTGCTTCAAAGGCCCCTGATCCCAAATTAATGACCAGAGAGACAGCTCCATTTTTCAG-3'
Protein context (NP_001317007.1, residues 345-365): NLGSGAFEAL[Val355Met]EPVNGKFNDN

ClinVar aggregate classification (germline): Uncertain significance (1 of 4 stars; one submission).

Submission:

GeneDx
Classification: Uncertain significance. Last evaluated: 2022-08-13. Review status: criteria provided, single submitter. Criteria: GeneDx Variant Classification Process June 2021. Collection method: clinical testing. Allele origin: germline. Affected: yes.
Comment: Not observed at significant frequency in large population cohorts (gnomAD); In silico analysis supports that this missense variant does not alter protein structure/function; Has not been previously published as pathogenic or benign to our knowledge